The following is an entry in ClinVar:

NM_007294.4(BRCA1):c.2309C>G (p.Ser770Ter)

Gene: BRCA1 (BRCA1 DNA repair associated; minus strand). Cytogenetic location: 17q21.31.
Variant type: single nucleotide variant.
Coding change: c.2309C>G on transcript NM_007294.4 (MANE Select); coding-DNA position 2309, C replaced by G.
Protein change: p.Ser770Ter; replaces serine 770 with a stop codon.
Molecular consequence: nonsense. On other transcripts: intron variant (137).
Genome position (GRCh38, 1-based): chr17:43,093,222, G>C on the plus strand (C>G on the coding strand, the complement: BRCA1 is on the minus strand). VCF-style: chr17-43093222-G-C. GRCh37 (hg19) VCF-style: chr17-41245239-G-C.
Other names: 2428C>G S770X; c.2168C>G, p.Ser723Ter (NM_001407694.1, NM_001407695.1, NM_001407696.1 and 29 more transcripts); c.2165C>G, p.Ser722Ter (NM_001407740.1, NM_001407741.1, NM_001407742.1 and 20 more transcripts); c.2306C>G, p.Ser769Ter (NM_001407861.1, NM_001407587.1, NM_001407610.1 and 22 more transcripts); c.2108C>G, p.Ser703Ter (NM_001407862.1); c.2186C>G, p.Ser729Ter (NM_001407863.1, NM_001407674.1, NM_001407675.1 and 19 more transcripts); c.2105C>G, p.Ser702Ter (NM_001407874.1, NM_001407875.1); c.2099C>G, p.Ser700Ter (NM_001407879.1, NM_001407881.1, NM_001407882.1 and 13 more transcripts); and 42 more; short protein forms S770*, S723*, S474*, S602*, S682*, S699*, S658*, S703*.
Identifiers: ClinVar variation 266246 (VCV000266246.16), dbSNP rs80357063, ClinGen allele CA10589867.
Genomic context (GRCh38, chr17:43,093,222, plus strand): 5'-GTGCTAACTTCCAGTAACGAGATACTTTCCTGAGTGCCATAATCAGTACCAGGTACCAAT[G>C]AAATACTGCTACTCTCTACAGATCTTTCAGTTTGCAAAACCCTTTCTCCACTTAACATGA-3'

ClinVar aggregate classification (germline): Pathogenic. Review status: reviewed by expert panel (3 of 4 stars). 5 submissions from 5 submitters: Pathogenic (1). 4 of the submissions do not count toward it. Last evaluated 2016-10-18.

Conditions:
Hereditary cancer-predisposing syndrome. Also called: Hereditary Cancer Syndrome; Neoplastic Syndromes, Hereditary; Hereditary neoplastic syndrome; Tumor predisposition. Identifiers: Orphanet 140162, MedGen C0027672, MeSH D009386, MONDO:0015356.
Hereditary breast ovarian cancer syndrome. Also called: Hereditary breast and ovarian cancer syndrome (HBOC); Breast and ovarian cancer; Hereditary breast and ovarian cancer syndrome; Hereditary breast and ovarian cancer; BRCA1- and BRCA2-Associated Hereditary Breast and Ovarian Cancer; Hereditary breast and/or ovarian cancer syndrome. Identifiers: Orphanet 145, MedGen C0677776, MeSH D061325, MONDO:0003582. Disease mechanism: loss of function.
Breast-ovarian cancer, familial, susceptibility to, 1 (BROVCA1). Also called: BRCA1 Hereditary Breast and Ovarian Cancer; OVARIAN CANCER, SUSCEPTIBILITY TO. Identifiers: Orphanet 145, MedGen C2676676, MONDO:0011450, OMIM 604370. Disease mechanism: loss of function.

Submissions (5):

Evidence-based Network for the Interpretation of Germline Mutant Alleles (ENIGMA)
Classification: Pathogenic for Breast-ovarian cancer, familial, susceptibility to, 1. Last evaluated: 2016-10-18. Review status: reviewed by expert panel. Criteria: ENIGMA BRCA1/2 Classification Criteria (2015). Collection method: curation. Allele origin: germline.
Comment: Variant allele predicted to encode a truncated non-functional protein.

Labcorp Genetics (formerly Invitae), Labcorp
Classification: Pathogenic for Hereditary breast ovarian cancer syndrome. Last evaluated: 2025-01-07. Review status: criteria provided, single submitter. Criteria: Invitae Variant Classification Sherloc (09022015). Collection method: clinical testing. Allele origin: germline. Not counted in ClinVar's aggregate classification.
Comment: This sequence change creates a premature translational stop signal (p.Ser770*) in the BRCA1 gene. It is expected to result in an absent or disrupted protein product. Loss-of-function variants in BRCA1 are known to be pathogenic (PMID: 20104584). This variant is not present in population databases (gnomAD no frequency). This premature translational stop signal has been observed in individual(s) with clinical features of BRCA1-related conditions (PMID: 29446198). ClinVar contains an entry for this variant (Variation ID: 266246). For these reasons, this variant has been classified as Pathogenic.

Baylor Genetics
Classification: Pathogenic for Breast-ovarian cancer, familial, susceptibility to, 1. Last evaluated: 2023-11-07. Review status: criteria provided, single submitter. Criteria: ACMG Guidelines, 2015. Collection method: clinical testing. Allele origin: unknown. Not counted in ClinVar's aggregate classification.

Ambry Genetics
Classification: Pathogenic for Hereditary cancer-predisposing syndrome. Last evaluated: 2021-09-29. Review status: criteria provided, single submitter. Criteria: Ambry Variant Classification Scheme 2023. Collection method: clinical testing. Allele origin: germline. Not counted in ClinVar's aggregate classification.
Comment: The p.S770* pathogenic mutation (also known as c.2309C>G), located in coding exon 9 of the BRCA1 gene, results from a C to G substitution at nucleotide position 2309. This changes the amino acid from a serine to a stop codon within coding exon 9. This alteration was identified in a large, worldwide study of BRCA1/2 mutation positive families (Rebbeck TR et al. Hum Mutat, 2018 05;39:593-620). This variant is considered to be rare based on population cohorts in the Genome Aggregation Database (gnomAD). In addition to the clinical data presented in the literature, this alteration is expected to result in loss of function by premature protein truncation or nonsense-mediated mRNA decay. As such, this alteration is interpreted as a disease-causing mutation.

Consortium of Investigators of Modifiers of BRCA1/2 (CIMBA), c/o University of Cambridge
Classification: Pathogenic for Breast-ovarian cancer, familial, susceptibility to, 1. Last evaluated: 2015-10-02. Review status: criteria provided, single submitter. Criteria: CIMBA Mutation Classification guidelines May 2016. Collection method: clinical testing. Allele origin: germline. Not counted in ClinVar's aggregate classification.

Literature cited by the submitters: PubMed 20104584 (cited by Labcorp Genetics (formerly Invitae), Labcorp); PubMed 29446198 (cited by Labcorp Genetics (formerly Invitae), Labcorp and Ambry Genetics).